The following is an entry in ClinVar:

ClinVar aggregate classification (germline): Uncertain significance (1 of 4 stars; one submission).

Submission:

Ambry Genetics
Classification: Uncertain significance. Last evaluated: 2025-12-23. Review status: criteria provided, single submitter. Criteria: Ambry Variant Classification Scheme 2023. Collection method: clinical testing. Allele origin: germline.
Comment: The p.P270A variant (also known as c.808C>G), located in coding exon 6 of the RNF43 gene, results from a C to G substitution at nucleotide position 808. The proline at codon 270 is replaced by alanine, an amino acid with highly similar properties. This amino acid position is conserved. In addition, this alteration is predicted to be tolerated by in silico analysis. Based on the available evidence, the clinical significance of this variant remains unclear.

NM_017763.6(RNF43):c.808C>G (p.Pro270Ala)

Gene: RNF43 (ring finger protein 43; minus strand). Cytogenetic location: 17q22.
Variant type: single nucleotide variant.
Coding change: c.808C>G on transcript NM_017763.6 (MANE Select); coding-DNA position 808, C replaced by G.
Protein change: p.Pro270Ala; replaces proline 270 with alanine.
Molecular consequence: missense variant.
Genome position (GRCh38, 1-based): chr17:58,360,824, G>C on the plus strand (C>G on the coding strand, the complement: RNF43 is on the minus strand). VCF-style: chr17-58360824-G-C. GRCh37 (hg19) VCF-style: chr17-56438185-G-C.
Other names: c.808C>G, p.Pro270Ala (NM_001305544.3, NM_001438820.1, NM_001438821.1 and 1 more transcripts); c.427C>G, p.Pro143Ala (NM_001305545.2, NM_001437987.1); short protein forms P143A, P270A.
Identifiers: ClinVar variation 4841965 (VCV004841965.1).
Genomic context (GRCh38, chr17:58,360,824, plus strand): 5'-ACCACAAGACCTGCCTTACCTGCCCCTCAGAGAACTCCTCCAGACAGATGGCACACACAG[G>C]GGCTGAGCTGCAGCTGCTCCCTGAGTCTGGCCACTCACCCCGGGCCTGCCTGCAGCTGGC-3'
Protein context (NP_060233.3, residues 260-280): PDSGSSCSSA[Pro270Ala]VCAICLEEFS